The following is an entry in ClinVar:

NM_002693.3(POLG):c.1684C>G (p.Arg562Gly)

Gene: POLG (DNA polymerase gamma, catalytic subunit; minus strand). Cytogenetic location: 15q26.1.
Variant type: single nucleotide variant.
Coding change: c.1684C>G on transcript NM_002693.3 (MANE Select); coding-DNA position 1684, C replaced by G.
Protein change: p.Arg562Gly; replaces arginine 562 with glycine.
Molecular consequence: missense variant.
Genome position (GRCh38, 1-based): chr15:89,326,640, G>C on the plus strand (C>G on the coding strand, the complement: POLG is on the minus strand). VCF-style: chr15-89326640-G-C. GRCh37 (hg19) VCF-style: chr15-89869871-G-C.
Other names: c.1684C>G, p.Arg562Gly (NM_001126131.2); short protein forms R562G.
Identifiers: ClinVar variation 3339606 (VCV003339606.2).
Genomic context (GRCh38, chr15:89,326,640, plus strand): 5'-TAGATACACTGCTGGGGGTGGGCAGGGCTCACCCAGGGTGTCCAGGAAGGTGCTGGGGCC[G>C]CTTGGGCAGGAGCTCTGTGGTCCCCTTCAGCTTCTGCAAGCAGGCGCGGGCCATGACATC-3'
Protein context (NP_002684.1, residues 552-572): LKGTTELLPK[Arg562Gly]PQHLPGHPGW

ClinVar aggregate classification (germline): Uncertain significance. Review status: criteria provided, multiple submitters, no conflicts (2 of 4 stars). 2 submissions from 2 submitters: Uncertain significance (2). Last evaluated 2026-01-09.

Conditions:
Progressive sclerosing poliodystrophy (MTDPS4A). Also called: Mitochondrial DNA Depletion Syndrome 4A; ALPERS PROGRESSIVE INFANTILE POLIODYSTROPHY; NEURONAL DEGENERATION OF CHILDHOOD WITH LIVER DISEASE, PROGRESSIVE; Alpers Syndrome; ALPERS DIFFUSE DEGENERATION OF CEREBRAL GRAY MATTER WITH HEPATIC CIRRHOSIS; Alpers-Huttenlocher Syndrome. Identifiers: Orphanet 726, MedGen C0205710, MONDO:0008758, OMIM 203700.

gnomAD v4.1: 3 of 1,613,976 alleles (0.00019%); highest among the groups gnomAD compares: African/African-American, 0.0027%; no homozygotes.

Submissions (2):

Labcorp Genetics (formerly Invitae), Labcorp
Classification: Uncertain significance for Progressive sclerosing poliodystrophy. Last evaluated: 2026-01-09. Review status: criteria provided, single submitter. Criteria: Invitae Variant Classification Sherloc (09022015). Collection method: clinical testing. Allele origin: germline.
Comment: This sequence change replaces arginine, which is basic and polar, with glycine, which is neutral and non-polar, at codon 562 of the POLG protein (p.Arg562Gly). This variant is present in population databases (rs756952607, gnomAD no frequency). This variant has not been reported in the literature in individuals affected with POLG-related conditions. ClinVar contains an entry for this variant (Variation ID: 3339606). Invitae Evidence Modeling of protein sequence and biophysical properties (such as structural, functional, and spatial information, amino acid conservation, physicochemical variation, residue mobility, and thermodynamic stability) indicates that this missense variant is expected to disrupt POLG protein function with a positive predictive value of 95%. In summary, the available evidence is currently insufficient to determine the role of this variant in disease. Therefore, it has been classified as a Variant of Uncertain Significance.

Women's Health and Genetics/Laboratory Corporation of America, LabCorp
Classification: Uncertain significance. Last evaluated: 2024-06-11. Review status: criteria provided, single submitter. Criteria: LabCorp Variant Classification Summary - May 2015. Collection method: clinical testing. Allele origin: germline.
Comment: Variant summary: POLG c.1684C>G (p.Arg562Gly) results in a non-conservative amino acid change in the encoded protein sequence. Four of five in-silico tools predict a damaging effect of the variant on protein function. The variant allele was found at a frequency of 4e-06 in 251174 control chromosomes. The available data on variant occurrences in the general population are insufficient to allow any conclusion about variant significance. To our knowledge, no occurrence of c.1684C>G in individuals affected with Mitochondrial DNA Depletion Syndrome - POLG Related and no experimental evidence demonstrating its impact on protein function have been reported. No submitters have cited clinical-significance assessments for this variant to ClinVar. Based on the evidence outlined above, the variant was classified as uncertain significance.